The following is an entry in ClinVar:

NM_025099.6(CTC1):c.362C>T (p.Ser121Leu)

Gene: CTC1 (CST telomere replication complex component 1; minus strand). Cytogenetic location: 17p13.1.
Variant type: single nucleotide variant.
Coding change: c.362C>T on transcript NM_025099.6 (MANE Select); coding-DNA position 362, C replaced by T.
Protein change: p.Ser121Leu; replaces serine 121 with leucine.
Molecular consequence: missense variant. On other transcripts: non-coding transcript variant (1).
Genome position (GRCh38, 1-based): chr17:8,238,465, G>A on the plus strand (C>T on the coding strand, the complement: CTC1 is on the minus strand). VCF-style: chr17-8238465-G-A. GRCh37 (hg19) VCF-style: chr17-8141783-G-A.
Other names: c.362C>T, p.Ser121Leu (NM_001411067.1); short protein forms S121L.
Identifiers: ClinVar variation 3630345 (VCV003630345.2).

ClinVar aggregate classification (germline): Uncertain significance (1 of 4 stars; one submission).

Conditions:
Dyskeratosis congenita. Identifiers: Orphanet 1775, MedGen C0265965, MONDO:0015780.

gnomAD v4.1: 9 of 1,614,150 alleles (0.00056%); highest among the groups gnomAD compares: South Asian, 0.0055%; no homozygotes.

Submission:

Labcorp Genetics (formerly Invitae), Labcorp
Classification: Uncertain significance for Dyskeratosis congenita. Last evaluated: 2024-02-07. Review status: criteria provided, single submitter. Criteria: Invitae Variant Classification Sherloc (09022015). Collection method: clinical testing. Allele origin: germline.
Comment: This sequence change replaces serine, which is neutral and polar, with leucine, which is neutral and non-polar, at codon 121 of the CTC1 protein (p.Ser121Leu). This variant is present in population databases (rs773945643, gnomAD 0.006%). This variant has not been reported in the literature in individuals affected with CTC1-related conditions. Advanced modeling of protein sequence and biophysical properties (such as structural, functional, and spatial information, amino acid conservation, physicochemical variation, residue mobility, and thermodynamic stability) performed at Invitae indicates that this missense variant is not expected to disrupt CTC1 protein function with a negative predictive value of 80%. In summary, the available evidence is currently insufficient to determine the role of this variant in disease. Therefore, it has been classified as a Variant of Uncertain Significance.